The following is an entry in ClinVar:

ClinVar aggregate classification (germline): Uncertain significance. Review status: criteria provided, multiple submitters, no conflicts (2 of 4 stars). 2 submissions from 2 submitters: Uncertain significance (2). Last evaluated 2021-03-02.

Conditions:
Dyskeratosis congenita. Identifiers: Orphanet 1775, MedGen C0265965, MONDO:0015780.

Allele frequency attached by ClinVar (database versions not stated): gnomAD exomes below 0.00001 and 0.00001; TOPMed below 0.00001; ExAC 0.00001; gnomAD 0.00001.
gnomAD v4.1: 12 of 1,614,002 alleles (0.00074%); highest among the groups gnomAD compares: Non-Finnish European, 0.001%; no homozygotes.

Submissions (2):

Labcorp Genetics (formerly Invitae), Labcorp
Classification: Uncertain significance for Dyskeratosis congenita. Last evaluated: 2021-03-02. Review status: criteria provided, single submitter. Criteria: Invitae Variant Classification Sherloc (09022015). Collection method: clinical testing. Allele origin: germline.
Comment: In summary, the available evidence is currently insufficient to determine the role of this variant in disease. Therefore, it has been classified as a Variant of Uncertain Significance. Algorithms developed to predict the effect of missense changes on protein structure and function are either unavailable or do not agree on the potential impact of this missense change (SIFT: "Deleterious"; PolyPhen-2: "Probably Damaging"; Align-GVGD: "Class C0"). This variant has been observed in individual(s) with CTC1-related conditions (PMID: 22899577, 29146883). This variant is present in population databases (rs774742711, ExAC 0.001%). This sequence change replaces leucine with proline at codon 247 of the CTC1 protein (p.Leu247Pro). The leucine residue is moderately conserved and there is a moderate physicochemical difference between leucine and proline.

Blueprint Genetics
Classification: Uncertain significance. Last evaluated: 2020-08-27. Review status: criteria provided, single submitter. Criteria: ACMG Guidelines, 2015. Collection method: clinical testing. Allele origin: germline.

Literature cited by the submitters: PubMed 22899577 (cited by Labcorp Genetics (formerly Invitae), Labcorp); PubMed 29146883 (cited by Labcorp Genetics (formerly Invitae), Labcorp).

NM_025099.6(CTC1):c.740T>C (p.Leu247Pro)

Gene: CTC1 (CST telomere replication complex component 1; minus strand). Cytogenetic location: 17p13.1.
Variant type: single nucleotide variant.
Coding change: c.740T>C on transcript NM_025099.6 (MANE Select); coding-DNA position 740, T replaced by C.
Protein change: p.Leu247Pro; replaces leucine 247 with proline.
Molecular consequence: missense variant.
Genome position (GRCh38, 1-based): chr17:8,237,427, A>G on the plus strand (T>C on the coding strand, the complement: CTC1 is on the minus strand). VCF-style: chr17-8237427-A-G. GRCh37 (hg19) VCF-style: chr17-8140745-A-G.
Other names: short protein forms L247P.
Identifiers: ClinVar variation 1488055 (VCV001488055.7), dbSNP rs774742711, ClinGen allele CA8372566.